The following is an entry in ClinVar:

ClinVar aggregate classification (germline): Uncertain significance. Review status: criteria provided, multiple submitters, no conflicts (2 of 4 stars). 2 submissions from 2 submitters: Uncertain significance (2). Last evaluated 2025-02-10.

Allele frequency attached by ClinVar (database versions not stated): gnomAD exomes below 0.00001; gnomAD 0.00001; ExAC 0.00002; TOPMed 0.00002; ESP Exome Variant Server 0.00015.
gnomAD v4.1: 4 of 1,613,370 alleles (0.00025%); highest among the groups gnomAD compares: African/African-American, 0.0027%; no homozygotes.

Submissions (2):

Ambry Genetics
Classification: Uncertain significance. Last evaluated: 2025-02-10. Review status: criteria provided, single submitter. Criteria: Ambry Variant Classification Scheme 2023. Collection method: clinical testing. Allele origin: germline.

Labcorp Genetics (formerly Invitae), Labcorp
Classification: Uncertain significance. Last evaluated: 2023-10-15. Review status: criteria provided, single submitter. Criteria: Invitae Variant Classification Sherloc (09022015). Collection method: clinical testing. Allele origin: germline.
Comment: This sequence change replaces tyrosine, which is neutral and polar, with cysteine, which is neutral and slightly polar, at codon 91 of the NCKAP1L protein (p.Tyr91Cys). This variant is present in population databases (rs374871721, gnomAD 0.01%). This variant has not been reported in the literature in individuals affected with NCKAP1L-related conditions. An algorithm developed to predict the effect of missense changes on protein structure and function (PolyPhen-2) suggests that this variant is likely to be disruptive. In summary, the available evidence is currently insufficient to determine the role of this variant in disease. Therefore, it has been classified as a Variant of Uncertain Significance.

NM_005337.5(NCKAP1L):c.272A>G (p.Tyr91Cys)

Gene: NCKAP1L (NCK associated protein 1 like; plus strand). Cytogenetic location: 12q13.2.
Variant type: single nucleotide variant.
Coding change: c.272A>G on transcript NM_005337.5 (MANE Select); coding-DNA position 272, A replaced by G.
Protein change: p.Tyr91Cys; replaces tyrosine 91 with cysteine.
Molecular consequence: missense variant.
Genome position (GRCh38, 1-based): chr12:54,500,591, A>G. VCF-style: chr12-54500591-A-G. GRCh37 (hg19) VCF-style: chr12-54894375-A-G.
Other names: c.122A>G, p.Tyr41Cys (NM_001184976.2); c.272A>G (NM_005337.4); short protein forms Y91C, Y41C.
Identifiers: ClinVar variation 2982808 (VCV002982808.4), dbSNP rs374871721, ClinGen allele CA6608763.